The following is an entry in ClinVar:

ClinVar aggregate classification (germline): Uncertain significance. Review status: criteria provided, multiple submitters, no conflicts (2 of 4 stars). 2 submissions from 2 submitters: Uncertain significance (2). Last evaluated 2025-09-08.

Conditions:
Short-rib thoracic dysplasia 13 with or without polydactyly (SRTD13). Identifiers: Orphanet 474, MedGen C4225378, MONDO:0014577, OMIM 616300.
Inborn genetic diseases. Identifiers: MedGen C0950123, MeSH D030342.

gnomAD v4.1: 4 of 1,613,694 alleles (0.00025%); highest among the groups gnomAD compares: African/African-American, 0.0013%; no homozygotes.

Submissions (2):

Labcorp Genetics (formerly Invitae), Labcorp
Classification: Uncertain significance for Short-rib thoracic dysplasia 13 with or without polydactyly. Last evaluated: 2025-09-08. Review status: criteria provided, single submitter. Criteria: Invitae Variant Classification Sherloc (09022015). Collection method: clinical testing. Allele origin: germline.
Comment: This sequence change replaces methionine, which is neutral and non-polar, with leucine, which is neutral and non-polar, at codon 880 of the CEP120 protein (p.Met880Leu). This variant is not present in population databases (gnomAD no frequency). This variant has not been reported in the literature in individuals affected with CEP120-related conditions. ClinVar contains an entry for this variant (Variation ID: 1439074). Invitae Evidence Modeling of protein sequence and biophysical properties (such as structural, functional, and spatial information, amino acid conservation, physicochemical variation, residue mobility, and thermodynamic stability) indicates that this missense variant is not expected to disrupt CEP120 protein function with a negative predictive value of 80%. In summary, the available evidence is currently insufficient to determine the role of this variant in disease. Therefore, it has been classified as a Variant of Uncertain Significance.

Ambry Genetics
Classification: Uncertain significance for Inborn genetic diseases. Last evaluated: 2025-05-14. Review status: criteria provided, single submitter. Criteria: Ambry Variant Classification Scheme 2023. Collection method: clinical testing. Allele origin: germline.

NM_001375405.1(CEP120):c.2638A>C (p.Met880Leu)

Gene: CEP120 (centrosomal protein 120; minus strand). Cytogenetic location: 5q23.2.
Variant type: single nucleotide variant.
Coding change: c.2638A>C on transcript NM_001375405.1 (MANE Select); coding-DNA position 2638, A replaced by C.
Protein change: p.Met880Leu; replaces methionine 880 with leucine.
Molecular consequence: missense variant. On other transcripts: non-coding transcript variant (1).
Genome position (GRCh38, 1-based): chr5:123,350,032, T>G on the plus strand (A>C on the coding strand, the complement: CEP120 is on the minus strand). VCF-style: chr5-123350032-T-G. GRCh37 (hg19) VCF-style: chr5-122685726-T-G.
Other names: c.2638A>C (NM_153223.3); c.2560A>C, p.Met854Leu (NM_001166226.2); c.2503A>C, p.Met835Leu (NM_001375406.1); c.2638A>C, p.Met880Leu (NM_001375407.1, NM_153223.4); c.2065A>C, p.Met689Leu (NM_001375408.1, NM_001375409.1); short protein forms M880L, M689L, M835L, M854L.
Identifiers: ClinVar variation 1439074 (VCV001439074.7), dbSNP rs763397454, ClinGen allele CA360894992.